The following is an entry in ClinVar:

ClinVar aggregate classification (germline): Likely benign (0 of 4 stars; one submission).

Conditions:
TENM4-related disorder. Also called: TENM4-related condition.

Allele frequency attached by ClinVar (database versions not stated): 1000 Genomes Project 0.01478.

Submission:

PreventionGenetics, part of Exact Sciences
Classification: Likely benign for TENM4-related condition. Last evaluated: 2023-02-14. Review status: no assertion criteria provided. Collection method: clinical testing. Allele origin: germline.
Comment: This variant is classified as likely benign based on ACMG/AMP sequence variant interpretation guidelines (Richards et al. 2015 PMID: 25741868, with internal and published modifications).

NM_001098816.3(TENM4):c.2179+9A>G

Gene: TENM4 (teneurin transmembrane protein 4; minus strand). Cytogenetic location: 11q14.1.
Variant type: single nucleotide variant.
Coding change: c.2179+9A>G on transcript NM_001098816.3 (MANE Select); 9 bases into the intron after coding-DNA position 2179, A replaced by G.
Molecular consequence: intron variant.
Genome position (GRCh38, 1-based): chr11:78,805,283, T>C on the plus strand (A>G on the coding strand, the complement: TENM4 is on the minus strand). VCF-style: chr11-78805283-T-C. GRCh37 (hg19) VCF-style: chr11-78516328-T-C.
Identifiers: ClinVar variation 3061658 (VCV003061658.2), dbSNP rs551959313, ClinGen allele CA225125094.